The following is an entry in ClinVar:

ClinVar aggregate classification (germline): Benign/Likely benign. Review status: criteria provided, multiple submitters, no conflicts (2 of 4 stars). 3 submissions from 3 submitters: Benign (2); Likely benign (1). Last evaluated 2026-03-10.

Conditions:
CCNQ-related disorder. Also called: CCNQ-related condition.

Allele frequency attached by ClinVar (database versions not stated): gnomAD exomes 0.00008 and 0.00025; ExAC 0.00028; gnomAD 0.00044; TOPMed 0.00059; ESP Exome Variant Server 0.00076; 1000 Genomes Project 30x 0.00104; 1000 Genomes Project 0.00106.

Submissions (3):

PreventionGenetics, part of Exact Sciences
Classification: Likely benign for CCNQ-related condition. Last evaluated: 2026-03-10. Review status: criteria provided, single submitter. Criteria: ACMG Guidelines, 2015. Collection method: clinical testing. Allele origin: germline.
Comment: This variant is classified as likely benign based on ACMG/AMP sequence variant interpretation guidelines (Richards et al. 2015 PMID: 25741868, with internal and published modifications).

Labcorp Genetics (formerly Invitae), Labcorp
Classification: Benign. Last evaluated: 2024-09-09. Review status: criteria provided, single submitter. Criteria: Invitae Variant Classification Sherloc (09022015). Collection method: clinical testing. Allele origin: germline.

Breakthrough Genomics
Classification: Benign. Review status: criteria provided, single submitter. Criteria: ACMG Guidelines, 2015. Collection method: not provided. Allele origin: germline. Inheritance: X-linked inheritance. Affected: yes.

NM_152274.5(CCNQ):c.181G>A (p.Glu61Lys)

Gene: CCNQ (cyclin Q; minus strand). Cytogenetic location: Xq28.
Variant type: single nucleotide variant.
Coding change: c.181G>A on transcript NM_152274.5 (MANE Select); coding-DNA position 181, G replaced by A.
Protein change: p.Glu61Lys; replaces glutamic acid 61 with lysine.
Molecular consequence: missense variant.
Genome position (GRCh38, 1-based): chrX:153,596,119, C>T on the plus strand (G>A on the coding strand, the complement: CCNQ is on the minus strand). VCF-style: chrX-153596119-C-T. GRCh37 (hg19) VCF-style: chrX-152861577-C-T.
Other names: c.181G>A (NM_152274.4); c.181G>A, p.Glu61Lys (NM_001130997.3); short protein forms E61K.
Identifiers: ClinVar variation 720975 (VCV000720975.10), dbSNP rs149734965, ClinGen allele CA10548471.